The following is an entry in ClinVar:

NM_025114.4(CEP290):c.4373G>C (p.Arg1458Thr)

Gene: CEP290 (centrosomal protein 290; minus strand). Cytogenetic location: 12q21.32.
Variant type: single nucleotide variant.
Coding change: c.4373G>C on transcript NM_025114.4 (MANE Select); coding-DNA position 4373, G replaced by C.
Protein change: p.Arg1458Thr; replaces arginine 1458 with threonine.
Molecular consequence: missense variant.
Genome position (GRCh38, 1-based): chr12:88,086,103, C>G on the plus strand (G>C on the coding strand, the complement: CEP290 is on the minus strand). VCF-style: chr12-88086103-C-G. GRCh37 (hg19) VCF-style: chr12-88479880-C-G.
Other names: short protein forms R1458T.
Identifiers: ClinVar variation 2079441 (VCV002079441.4), dbSNP rs2500009581, ClinGen allele CA385996415.

ClinVar aggregate classification (germline): Uncertain significance (1 of 4 stars; one submission).

Conditions:
Joubert syndrome. Also called: CEREBELLOPARENCHYMAL DISORDER IV; JOUBERT-BOLTSHAUSER SYNDROME; Familial aplasia of the vermis. Identifiers: Orphanet 475, MedGen C5979921, MONDO:0018772.
Nephronophthisis. Also called: Juvenile Nephronophthisis. Identifiers: Orphanet 655, MedGen C0687120, MONDO:0019005, HP:0000090.
Meckel-Gruber syndrome. Also called: DYSENCEPHALIA SPLANCHNOCYSTICA; GRUBER SYNDROME; Dysencephalia splachnocystica. Identifiers: Orphanet 564, MedGen C0265215, MONDO:0018921.

Submission:

Labcorp Genetics (formerly Invitae), Labcorp
Classification: Uncertain significance for Joubert syndrome; Meckel-Gruber syndrome; Nephronophthisis. Last evaluated: 2022-01-11. Review status: criteria provided, single submitter. Criteria: Invitae Variant Classification Sherloc (09022015). Collection method: clinical testing. Allele origin: germline.
Comment: This variant has not been reported in the literature in individuals affected with CEP290-related conditions. In summary, the available evidence is currently insufficient to determine the role of this variant in disease. Therefore, it has been classified as a Variant of Uncertain Significance. Algorithms developed to predict the effect of missense changes on protein structure and function are either unavailable or do not agree on the potential impact of this missense change (SIFT: "Tolerated"; PolyPhen-2: "Possibly Damaging"; Align-GVGD: "Class C0"). This variant is not present in population databases (gnomAD no frequency). This sequence change replaces arginine, which is basic and polar, with threonine, which is neutral and polar, at codon 1458 of the CEP290 protein (p.Arg1458Thr).